The following is an entry in ClinVar:

ClinVar aggregate classification (germline): Uncertain significance. Review status: criteria provided, multiple submitters, no conflicts (2 of 4 stars). 2 submissions from 2 submitters: Uncertain significance (2). Last evaluated 2025-05-18.

Conditions:
Inborn genetic diseases. Identifiers: MedGen C0950123, MeSH D030342.
Specific granule deficiency. Identifiers: Orphanet 169142, MedGen C0398593, MONDO:0009506.

Allele frequency attached by ClinVar (database versions not stated): gnomAD 0.00003; TOPMed 0.00004.

Submissions (2):

Labcorp Genetics (formerly Invitae), Labcorp
Classification: Uncertain significance for Specific granule deficiency. Last evaluated: 2025-05-18. Review status: criteria provided, single submitter. Criteria: Invitae Variant Classification Sherloc (09022015). Collection method: clinical testing. Allele origin: germline.
Comment: This sequence change replaces glycine, which is neutral and non-polar, with arginine, which is basic and polar, at codon 28 of the CEBPE protein (p.Gly28Arg). This variant is present in population databases (rs771346092, gnomAD 0.002%). This variant has not been reported in the literature in individuals affected with CEBPE-related conditions. ClinVar contains an entry for this variant (Variation ID: 1382305). An algorithm developed to predict the effect of missense changes on protein structure and function (PolyPhen-2) suggests that this variant is likely to be disruptive. In summary, the available evidence is currently insufficient to determine the role of this variant in disease. Therefore, it has been classified as a Variant of Uncertain Significance.

Ambry Genetics
Classification: Uncertain significance for Inborn genetic diseases. Last evaluated: 2024-05-23. Review status: criteria provided, single submitter. Criteria: Ambry Variant Classification Scheme 2023. Collection method: clinical testing. Allele origin: germline.

NM_001805.4(CEBPE):c.82G>A (p.Gly28Arg)

Gene: CEBPE (CCAAT enhancer binding protein epsilon; minus strand). Cytogenetic location: 14q11.2.
Variant type: single nucleotide variant.
Coding change: c.82G>A on transcript NM_001805.4 (MANE Select); coding-DNA position 82, G replaced by A.
Protein change: p.Gly28Arg; replaces glycine 28 with arginine.
Molecular consequence: missense variant.
Genome position (GRCh38, 1-based): chr14:23,119,010, C>T on the plus strand (G>A on the coding strand, the complement: CEBPE is on the minus strand). VCF-style: chr14-23119010-C-T. GRCh37 (hg19) VCF-style: chr14-23588219-C-T.
Other names: c.82G>A (NM_001805.2); short protein forms G28R.
Identifiers: ClinVar variation 1382305 (VCV001382305.7), dbSNP rs771346092, ClinGen allele CA7111297.